The following is an entry in ClinVar:

NM_173551.5(ANKS6):c.1565A>G (p.Asn522Ser)

Gene: ANKS6 (ankyrin repeat and sterile alpha motif domain containing 6; minus strand). Cytogenetic location: 9q22.33.
Variant type: single nucleotide variant.
Coding change: c.1565A>G on transcript NM_173551.5 (MANE Select); coding-DNA position 1565, A replaced by G.
Protein change: p.Asn522Ser; replaces asparagine 522 with serine.
Molecular consequence: missense variant.
Genome position (GRCh38, 1-based): chr9:98,778,228, T>C on the plus strand (A>G on the coding strand, the complement: ANKS6 is on the minus strand). VCF-style: chr9-98778228-T-C. GRCh37 (hg19) VCF-style: chr9-101540510-T-C.
Other names: short protein forms N522S.
Identifiers: ClinVar variation 541404 (VCV000541404.37), dbSNP rs148071928, ClinGen allele CA5153455.

ClinVar aggregate classification (germline): Benign/Likely benign. Review status: criteria provided, multiple submitters, no conflicts (2 of 4 stars). 4 submissions from 4 submitters: Benign (1); Likely benign (2). 1 of the submissions does not count toward it. Last evaluated 2025-12-23.

Conditions:
ANKS6-related disorder. Also called: ANKS6-related condition.
Nephronophthisis 16 (NPHP16). Identifiers: Orphanet 655, MedGen C3809320, MONDO:0014158, OMIM 615382.

Allele frequency attached by ClinVar (database versions not stated): 1000 Genomes Project 0.00120; 1000 Genomes Project 30x 0.00125; TOPMed 0.00185; gnomAD 0.00226 and 0.00229; ESP Exome Variant Server 0.00262; gnomAD exomes 0.00262 and 0.00263; ExAC 0.00327.
gnomAD v4.1: 4,158 of 1,614,068 alleles (0.26%); highest among the groups gnomAD compares: Non-Finnish European, 0.3%; 7 homozygotes.

Submissions (4):

Labcorp Genetics (formerly Invitae), Labcorp
Classification: Benign for Nephronophthisis 16. Last evaluated: 2025-12-23. Review status: criteria provided, single submitter. Criteria: Invitae Variant Classification Sherloc (09022015). Collection method: clinical testing. Allele origin: germline.

Blueprint Genetics
Classification: Likely benign. Last evaluated: 2024-11-27. Review status: criteria provided, single submitter. Criteria: ACMG Guidelines, 2015. Collection method: clinical testing. Allele origin: germline.

CeGaT Center for Human Genetics Tuebingen
Classification: Likely benign. Last evaluated: 2023-10-01. Review status: criteria provided, single submitter. Criteria: CeGaT Center For Human Genetics Tuebingen Variant Classification Criteria Version 2. Collection method: clinical testing. Allele origin: germline. Affected: yes. Observed: 1 variant allele.
Comment: ANKS6: BP4

PreventionGenetics, part of Exact Sciences
Classification: Likely benign for ANKS6-related condition. Last evaluated: 2020-09-08. Review status: no assertion criteria provided. Collection method: clinical testing. Allele origin: germline. Not counted in ClinVar's aggregate classification.
Comment: This variant is classified as likely benign based on ACMG/AMP sequence variant interpretation guidelines (Richards et al. 2015 PMID: 25741868, with internal and published modifications).